The following is an entry in ClinVar:

NM_001492.6(GDF1):c.599G>A (p.Gly200Asp)

Genes: CERS1 (ceramide synthase 1; minus strand), GDF1 (growth differentiation factor 1; minus strand). Cytogenetic location: 19p13.11.
Variant type: single nucleotide variant.
Coding change: c.599G>A on transcript NM_001492.6 (MANE Select); coding-DNA position 599, G replaced by A.
Protein change: p.Gly200Asp; replaces glycine 200 with aspartic acid.
Molecular consequence: missense variant. On other transcripts: 3 prime UTR variant (2).
Genome position (GRCh38, 1-based): chr19:18,869,117, C>T on the plus strand (G>A on the coding strand, the complement: GDF1 is on the minus strand). VCF-style: chr19-18869117-C-T. GRCh37 (hg19) VCF-style: chr19-18979926-C-T.
Other names: c.*1460G>A (NM_001387440.1); c.*868G>A (NM_021267.5); c.599G>A, p.Gly200Asp (NM_001387438.1); c.599G>A (NM_001492.4); short protein forms G200D.
Identifiers: ClinVar variation 410639 (VCV000410639.10), dbSNP rs573559104, ClinGen allele CA16616242.

ClinVar aggregate classification (germline): Uncertain significance. Review status: criteria provided, multiple submitters, no conflicts (2 of 4 stars). 3 submissions from 3 submitters: Uncertain significance (3). Last evaluated 2025-11-13.

Conditions:
Congenital heart defects, multiple types, 6 (CHTD6). Identifiers: Orphanet 860, MedGen C3151221, MONDO:0013463, OMIM 613854.
Right atrial isomerism (RAI). Also called: IVEMARK SYNDROME. Identifiers: Orphanet 97548, MedGen C3178806, MONDO:0008832, OMIM 208530, HP:0011536.

Allele frequency attached by ClinVar (database versions not stated): gnomAD 0.00015 and 0.00014; gnomAD exomes 0.00002; 1000 Genomes Project 30x 0.00016; 1000 Genomes Project 0.00020; TOPMed 0.00029.
gnomAD v4.1: 24 of 1,087,302 alleles (0.0022%); highest among the groups gnomAD compares: Admixed American, 0.11%; no homozygotes.

Submissions (3):

Ambry Genetics
Classification: Uncertain significance. Last evaluated: 2025-11-13. Review status: criteria provided, single submitter. Criteria: Ambry Variant Classification Scheme 2023. Collection method: clinical testing. Allele origin: germline.

Labcorp Genetics (formerly Invitae), Labcorp
Classification: Uncertain significance. Last evaluated: 2022-07-05. Review status: criteria provided, single submitter. Criteria: Invitae Variant Classification Sherloc (09022015). Collection method: clinical testing. Allele origin: germline.
Comment: This sequence change replaces glycine, which is neutral and non-polar, with aspartic acid, which is acidic and polar, at codon 200 of the GDF1 protein (p.Gly200Asp). This variant is not present in population databases (gnomAD no frequency). This variant has not been reported in the literature in individuals affected with GDF1-related conditions. ClinVar contains an entry for this variant (Variation ID: 410639). Algorithms developed to predict the effect of missense changes on protein structure and function (SIFT, PolyPhen-2, Align-GVGD) all suggest that this variant is likely to be tolerated. In summary, the available evidence is currently insufficient to determine the role of this variant in disease. Therefore, it has been classified as a Variant of Uncertain Significance.

Fulgent Genetics
Classification: Uncertain significance for Right atrial isomerism; Congenital heart defects, multiple types, 6. Last evaluated: 2021-09-29. Review status: criteria provided, single submitter. Criteria: ACMG Guidelines, 2015. Collection method: clinical testing. Allele origin: unknown.